The following is an entry in ClinVar:

NM_004859.4(CLTC):c.2560A>T (p.Arg854Ter)

Gene: CLTC (clathrin heavy chain; plus strand). Cytogenetic location: 17q23.1.
Variant type: single nucleotide variant.
Coding change: c.2560A>T on transcript NM_004859.4 (MANE Select); coding-DNA position 2560, A replaced by T.
Protein change: p.Arg854Ter; replaces arginine 854 with a stop codon.
Molecular consequence: nonsense.
Genome position (GRCh38, 1-based): chr17:59,674,842, A>T. VCF-style: chr17-59674842-A-T. GRCh37 (hg19) VCF-style: chr17-57752203-A-T.
Other names: c.2572A>T, p.Arg858Ter (NM_001288653.2); short protein forms R858*, R854*.
Identifiers: ClinVar variation 489268 (VCV000489268.3), dbSNP rs1555606338, ClinGen allele CA400415623.

ClinVar aggregate classification (germline): Pathogenic (1 of 4 stars; one submission).

Submission:

GeneDx
Classification: Pathogenic. Last evaluated: 2024-12-31. Review status: criteria provided, single submitter. Criteria: GeneDx Variant Classification Process June 2021. Collection method: clinical testing. Allele origin: germline. Affected: yes.
Comment: Nonsense variant predicted to result in protein truncation or nonsense mediated decay in a gene for which loss of function is a known mechanism of disease; Not observed at significant frequency in large population cohorts (gnomAD); Has not been previously published as pathogenic or benign to our knowledge